The following is an entry in ClinVar:

ClinVar aggregate classification (germline): Likely benign (0 of 4 stars; one submission).

Conditions:
UNC80-related disorder. Also called: UNC80-related condition.

Allele frequency attached by ClinVar (database versions not stated): gnomAD exomes 0.00003; ExAC 0.00009; ESP Exome Variant Server 0.00022; gnomAD 0.00059; TOPMed 0.00063; 1000 Genomes Project 0.00100; 1000 Genomes Project 30x 0.00141.
gnomAD v4.1: 133 of 1,551,524 alleles (0.0086%); highest among the groups gnomAD compares: African/African-American, 0.16%; no homozygotes.

Submission:

PreventionGenetics, part of Exact Sciences
Classification: Likely benign for UNC80-related condition. Last evaluated: 2019-02-19. Review status: no assertion criteria provided. Collection method: clinical testing. Allele origin: germline.
Comment: This variant is classified as likely benign based on ACMG/AMP sequence variant interpretation guidelines (Richards et al. 2015 PMID: 25741868, with internal and published modifications).

NM_001371986.1(UNC80):c.3977-5C>A

Gene: UNC80 (unc-80 homolog, NALCN channel complex subunit; plus strand). Cytogenetic location: 2q34.
Variant type: single nucleotide variant.
Coding change: c.3977-5C>A on transcript NM_001371986.1 (MANE Select); 5 bases into the intron before coding-DNA position 3977, C replaced by A.
Molecular consequence: intron variant.
Genome position (GRCh38, 1-based): chr2:209,880,956, C>A. VCF-style: chr2-209880956-C-A. GRCh37 (hg19) VCF-style: chr2-210745680-C-A.
Other names: c.3983-5C>A (NM_032504.2); c.3968-5C>A (NM_182587.4).
Identifiers: ClinVar variation 3057505 (VCV003057505.2), dbSNP rs376499490, ClinGen allele CA2083168.